The following is an entry in ClinVar:

NM_015512.5(DNAH1):c.1790G>A (p.Arg597His)

Gene: DNAH1 (dynein axonemal heavy chain 1; plus strand). Cytogenetic location: 3p21.1.
Variant type: single nucleotide variant.
Coding change: c.1790G>A on transcript NM_015512.5 (MANE Select); coding-DNA position 1790, G replaced by A.
Protein change: p.Arg597His; replaces arginine 597 with histidine.
Molecular consequence: missense variant.
Genome position (GRCh38, 1-based): chr3:52,346,605, G>A. VCF-style: chr3-52346605-G-A. GRCh37 (hg19) VCF-style: chr3-52380621-G-A.
Other names: short protein forms R597H.
Identifiers: ClinVar variation 1413744 (VCV001413744.8), dbSNP rs373434606, ClinGen allele CA353093660.

ClinVar aggregate classification (germline): Uncertain significance (1 of 4 stars; one submission).

Conditions:
Ciliary dyskinesia, primary, 37 (CILD37). Also called: CILIARY DYSKINESIA, PRIMARY, 37, WITH OR WITHOUT SITUS INVERSUS. Identifiers: MedGen C4539798, MONDO:0033204, OMIM 617577.
Spermatogenic failure 18. Identifiers: MedGen C4539783, MONDO:0054615, OMIM 617576.

Allele frequency attached by ClinVar (database versions not stated): gnomAD exomes 0.00001.
gnomAD v4.1: 28 of 1,613,946 alleles (0.0017%); highest among the groups gnomAD compares: African/African-American, 0.0053%; no homozygotes.

Submission:

Labcorp Genetics (formerly Invitae), Labcorp
Classification: Uncertain significance for Ciliary dyskinesia, primary, 37; Spermatogenic failure 18. Last evaluated: 2021-02-17. Review status: criteria provided, single submitter. Criteria: Invitae Variant Classification Sherloc (09022015). Collection method: clinical testing. Allele origin: germline.
Comment: This sequence change replaces arginine with histidine at codon 597 of the DNAH1 protein (p.Arg597His). The arginine residue is moderately conserved and there is a small physicochemical difference between arginine and histidine. In summary, the available evidence is currently insufficient to determine the role of this variant in disease. Therefore, it has been classified as a Variant of Uncertain Significance. Algorithms developed to predict the effect of missense changes on protein structure and function output the following: SIFT: "Tolerated"; PolyPhen-2: "Benign"; Align-GVGD: "Class C0". The histidine amino acid residue is found in multiple mammalian species, suggesting that this missense change does not adversely affect protein function. These predictions have not been confirmed by published functional studies and their clinical significance is uncertain. This variant has not been reported in the literature in individuals with DNAH1-related conditions. This variant is not present in population databases (ExAC no frequency).